The following is an entry in ClinVar:

NM_017654.4(SAMD9):c.710T>C (p.Phe237Ser)

Gene: SAMD9 (sterile alpha motif domain containing 9; minus strand). Cytogenetic location: 7q21.2.
Variant type: single nucleotide variant.
Coding change: c.710T>C on transcript NM_017654.4 (MANE Select); coding-DNA position 710, T replaced by C.
Protein change: p.Phe237Ser; replaces phenylalanine 237 with serine.
Molecular consequence: missense variant.
Genome position (GRCh38, 1-based): chr7:93,105,388, A>G on the plus strand (T>C on the coding strand, the complement: SAMD9 is on the minus strand). VCF-style: chr7-93105388-A-G. GRCh37 (hg19) VCF-style: chr7-92734701-A-G.
Other names: c.710T>C, p.Phe237Ser (NM_001193307.2); short protein forms F237S.
Identifiers: ClinVar variation 3792041 (VCV003792041.1).

ClinVar aggregate classification (germline): Uncertain significance (1 of 4 stars; one submission).

Conditions:
Inborn genetic diseases. Identifiers: MedGen C0950123, MeSH D030342.

gnomAD v4.1: 1 of 1,614,034 alleles (0.000062%); no homozygotes.

Submission:

Ambry Genetics
Classification: Uncertain significance for Inborn genetic diseases. Last evaluated: 2025-02-01. Review status: criteria provided, single submitter. Criteria: Ambry Variant Classification Scheme 2023. Collection method: clinical testing. Allele origin: germline.
Comment: The p.F237S variant (also known as c.710T>C), located in coding exon 1 of the SAMD9 gene, results from a T to C substitution at nucleotide position 710. The phenylalanine at codon 237 is replaced by serine, an amino acid with highly dissimilar properties. This amino acid position is conserved. In addition, the in silico prediction for this alteration is inconclusive. Based on the available evidence, the clinical significance of this variant remains unclear.